The following is an entry in ClinVar:

ClinVar aggregate classification (germline): Uncertain significance (1 of 4 stars; one submission).

Conditions:
Alagille syndrome due to a JAG1 point mutation. Also called: HEPATIC DUCTULAR HYPOPLASIA, SYNDROMATIC; Alagille Syndrome 1; JAG1-Related Alagille Syndrome. Identifiers: Orphanet 261619, Orphanet 52, MedGen C1956125, MONDO:0016862, OMIM 118450.

Submission:

Labcorp Genetics (formerly Invitae), Labcorp
Classification: Uncertain significance for Alagille syndrome due to a JAG1 point mutation. Last evaluated: 2022-02-02. Review status: criteria provided, single submitter. Criteria: Invitae Variant Classification Sherloc (09022015). Collection method: clinical testing. Allele origin: germline.
Comment: This variant has not been reported in the literature in individuals affected with JAG1-related conditions. This variant is not present in population databases (gnomAD no frequency). This sequence change replaces asparagine, which is neutral and polar, with tyrosine, which is neutral and polar, at codon 332 of the JAG1 protein (p.Asn332Tyr). Algorithms developed to predict the effect of missense changes on protein structure and function (SIFT, PolyPhen-2, Align-GVGD) all suggest that this variant is likely to be disruptive. In summary, the available evidence is currently insufficient to determine the role of this variant in disease. Therefore, it has been classified as a Variant of Uncertain Significance.

NM_000214.3(JAG1):c.994A>T (p.Asn332Tyr)

Gene: JAG1 (jagged canonical Notch ligand 1; minus strand). Cytogenetic location: 20p12.2.
Variant type: single nucleotide variant.
Coding change: c.994A>T on transcript NM_000214.3 (MANE Select); coding-DNA position 994, A replaced by T.
Protein change: p.Asn332Tyr; replaces asparagine 332 with tyrosine.
Molecular consequence: missense variant.
Genome position (GRCh38, 1-based): chr20:10,652,143, T>A on the plus strand (A>T on the coding strand, the complement: JAG1 is on the minus strand). VCF-style: chr20-10652143-T-A. GRCh37 (hg19) VCF-style: chr20-10632791-T-A.
Other names: short protein forms N332Y.
Identifiers: ClinVar variation 2091691 (VCV002091691.4), dbSNP rs562158374, ClinGen allele CA408238930.